The following is an entry in ClinVar:

NM_000492.4(CFTR):c.695T>A (p.Val232Asp)

Gene: CFTR (CF transmembrane conductance regulator; plus strand). Cytogenetic location: 7q31.2.
Variant type: single nucleotide variant.
Coding change: c.695T>A on transcript NM_000492.4 (MANE Select); coding-DNA position 695, T replaced by A.
Protein change: p.Val232Asp; replaces valine 232 with aspartic acid.
Molecular consequence: missense variant.
Genome position (GRCh38, 1-based): chr7:117,535,363, T>A. VCF-style: chr7-117535363-T-A. GRCh37 (hg19) VCF-style: chr7-117175417-T-A.
Other names: short protein forms V232D.
Identifiers: ClinVar variation 54041 (VCV000054041.84), dbSNP rs397508783, ClinGen allele CA327625.
Genomic context (GRCh38, chr7:117,535,363, plus strand): 5'-TGGGGCTAATCTGGGAGTTGTTACAGGCGTCTGCCTTCTGTGGACTTGGTTTCCTGATAG[T>A]CCTTGCCCTTTTTCAGGCTGGGCTAGGGAGAATGATGATGAAGTACAGGTAGCAACCTAT-3'
Protein context (NP_000483.3, residues 222-242): SAFCGLGFLI[Val232Asp]LALFQAGLGR

ClinVar aggregate classification (germline): Pathogenic. Review status: reviewed by expert panel (3 of 4 stars). 22 submissions from 19 submitters: Pathogenic (1). 21 of the submissions do not count toward it. Last evaluated 2018-08-31.

Conditions:
Cystic fibrosis (CF). Also called: MUCOVISCIDOSIS. Identifiers: Orphanet 586, MedGen C0010674, MONDO:0009061, OMIM 219700. Disease mechanism: loss of function.
CFTR-related disorder (CFTR-RD). Also called: CFTR-related disorders; CFTR-related condition. Identifiers: MedGen C5924204, MONDO:7770004.
Congenital bilateral aplasia of vas deferens from CFTR mutation (CBAVD). Identifiers: Orphanet 48, MedGen C0403814, MONDO:0010178, OMIM 277180. Disease mechanism: loss of function.
Hereditary pancreatitis (PCTT). Also called: PRSS1-Related Hereditary Pancreatitis; Hereditary chronic pancreatitis. Identifiers: Orphanet 676, MedGen C0238339, MONDO:0008185, OMIM 167800.
Bronchiectasis with or without elevated sweat chloride 1 (BESC1). Also called: Cystic Fibrosis-Like Syndrome. Identifiers: Orphanet 60033, MedGen C2749757, MONDO:0008887, OMIM 211400.

Allele frequency attached by ClinVar (database versions not stated): TOPMed 0.00001; gnomAD exomes 0.00002; ExAC 0.00001; gnomAD 0.00001.

Submissions 1 to 6 of 22:

CFTR2
Classification: Pathogenic for Cystic fibrosis. Last evaluated: 2018-08-31. Review status: reviewed by expert panel. Criteria: Sosnay PR et al. (Nat Genet 2013). Collection method: research. Allele origin: germline. Affected: yes.

Labcorp Genetics (formerly Invitae), Labcorp
Classification: Pathogenic for Cystic fibrosis. Last evaluated: 2026-01-16. Review status: criteria provided, single submitter. Criteria: Invitae Variant Classification Sherloc (09022015). Collection method: clinical testing. Allele origin: germline. Not counted in ClinVar's aggregate classification.
Comment: This sequence change replaces valine, which is neutral and non-polar, with aspartic acid, which is acidic and polar, at codon 232 of the CFTR protein (p.Val232Asp). This variant is present in population databases (rs397508783, gnomAD 0.009%). This missense change has been observed in individuals with pancreatic-sufficient cystic fibrosis and congenital absence of the vas deferens (PMID: 10794365, 10875853, 16980811, 17329263, 21909392, 27086061). ClinVar contains an entry for this variant (Variation ID: 54041). Invitae Evidence Modeling of protein sequence and biophysical properties (such as structural, functional, and spatial information, amino acid conservation, physicochemical variation, residue mobility, and thermodynamic stability) indicates that this missense variant is expected to disrupt CFTR protein function with a positive predictive value of 80%. Experimental studies have shown that this missense change affects CFTR function (PMID: 2441227, 11427889, 17516627, 17949679, 19625452, 21909392, 21996038). For these reasons, this variant has been classified as Pathogenic.

Natera, Inc.
Classification: Pathogenic for CFTR-related disorders. Last evaluated: 2025-11-04. Review status: criteria provided, single submitter. Criteria: Natera Variant Classification Schema (03/2026). Collection method: clinical testing. Allele origin: germline. Not counted in ClinVar's aggregate classification.
Comment: The c.695T>A variant in CFTR is a missense variant predicted to cause substitution of valine to aspartic acid at amino acid 232. This variant is rare in the general population with a frequency below the threshold expected for the associated phenotype(s). This variant has been observed in one or more individuals affected with the associated recessive disease, as either homozygous or compound heterozygous with a second variant (PMID: 16980811, 27086061, 15772171, 12865275). Given the available evidence, this variant is classified as Pathogenic.

Dasa
Classification: Pathogenic. Last evaluated: 2025-09-02. Review status: criteria provided, single submitter. Criteria: DASA Assertion Criteria. Collection method: clinical testing. Allele origin: germline. Not counted in ClinVar's aggregate classification.
Comment: NM_000492.4(CFTR):c.695T>A (p.Val232Asp) is a missense variant that results in the substitution of valine with aspartic acid. The affected residue or protein region has prior evidence supporting clinical relevance. This variant has been observed in affected individuals with related phenotype in a genotype context consistent with recessive disease (PMID: 24412276; PMID: 15480987; PMID: 21642448; PMID: 10794365; PMID: 23951356). Functional evidence supports a deleterious effect on the gene or gene product (PMID: 24412276; PMID: 15480987; PMID: 21642448; PMID: 10794365; PMID: 23951356). This variant has been recurrently observed in individuals with related phenotype (PMID: 24412276; PMID: 15480987; PMID: 21642448; PMID: 10794365; PMID: 23951356). Multiple computational predictions support a deleterious effect on the gene or gene product. The variant is present at low frequency in population datasets. Based on the available data, this variant is classified as pathogenic.

Ambry Genetics
Classification: Pathogenic for Cystic fibrosis. Last evaluated: 2025-08-11. Review status: criteria provided, single submitter. Criteria: Ambry Variant Classification Scheme 2023. Collection method: clinical testing. Allele origin: germline. Not counted in ClinVar's aggregate classification.
Comment: The p.V232D pathogenic mutation (also known as c.695T>A), located in coding exon 6 of the CFTR gene, results from a T to A substitution at nucleotide position 695. The valine at codon 232 is replaced by aspartic acid, an amino acid with highly dissimilar properties. Rectal biopsy specimen from a CF patient who carried this mutation and p.F508del showed residual chloride secretion (Hirtz S et al, Gastroenterology 2004 Oct; 127(4):1085-95). In vitro studies have suggested that this mutation leads to impaired CFTR protein maturation and reduced channel activity (Loo TW et al, Biochem. Pharmacol. 2014 Mar; 88(1):46-57; Hirtz S et al, Gastroenterology 2004 Oct; 127(4):1085-95; Caldwell RA et al, Am. J. Physiol. Lung Cell Mol. Physiol. 2011 Sep; 301(3):L346-52). Based on the supporting evidence, this variant is interpreted as a disease-causing mutation.

ARUP Laboratories, Molecular Genetics and Genomics, ARUP Laboratories
Classification: Pathogenic for Cystic fibrosis; Bronchiectasis with or without elevated sweat chloride 1; Hereditary pancreatitis; Congenital bilateral aplasia of vas deferens from CFTR mutation. Last evaluated: 2025-04-08. Review status: criteria provided, single submitter. Criteria: ARUP Molecular Germline Variant Investigation Process 2024. Collection method: clinical testing. Allele origin: germline. Not counted in ClinVar's aggregate classification.
Comment: The CFTR c.695T>A; p.Val232Asp variant (rs397508783) is reported in the literature in the compound heterozygous state with another pathogenic variant causing pancreatic insufficiency in individuals affected with cystic fibrosis (see link to CFTR2 database, Casals 1997, Fernandez-Lorenzo 2018, Hirtz 2004). However, this variant has also been associated with pancreatic sufficiency, and is also reported in individuals with mild CFTR-related disorders (Bernardino 2000, Casals 2000, Castellani 2008, Dal'Maso 2004, Masson 2013, Ooi 2012). This variant is reported in ClinVar (Variation ID: 54041), and is only observed on six alleles in the Genome Aggregation Database, indicating it is not a common polymorphism. The valine at codon 232 is moderately conserved, and computational analyses predict that this variant is deleterious (REVEL: 0.720). Functional analyses of the variant protein show disrupted channel maturation, but some residual channel function remains (Caldwell 2011, Hirtz 2004, Loo 2014). Based on available information, this variant is considered to be pathogenic, with varying clinical consequences. References: Link to CFTR2 database: Bernardino AL et al. Molecular analysis in Brazilian cystic fibrosis patients reveals five novel mutations. Genet Test. 2000;4(1):69-74. PMID: 10794365. Caldwell RA et al. Increased folding and channel activity of a rare cystic fibrosis mutant with CFTR modulators. Am J Physiol Lung Cell Mol Physiol. 2011 Sep;301(3):L346-52. PMID: 21642448. Casals T et al. High heterogeneity for cystic fibrosis in Spanish families: 75 mutations account for 90% of chromosomes. Hum Genet. 1997 Dec;101(3):365-70. PMID: 9439669. Casals T et al. Heterogeneity for mutations in the CFTR gene and clinical correlations in patients with congenital absence of the vas deferens. Hum Reprod. 2000 Jul;15(7):1476-83. PMID: 10875853. Castellani C et al. Consensus on the use and interpretation of cystic fibrosis mutation analysis in clinical practice. J Cyst Fibros. 2008 May;7(3):179-96. PMID: 18456578. Dal'Maso VB et al. Diagnostic contribution of molecular analysis of the cystic fibrosis transmembrane conductance regulator gene in patients suspected of having mild or atypical cystic fibrosis. J Bras Pneumol. 2013 Mar-Apr;39(2):181-9. PMID: 23670503. Fernandez-Lorenzo AE et al. V232D mutation in patients with cystic fibrosis: Not so rare, not so mild. Medicine (Baltimore). 2018 Jul;97(28):e11397. PMID: 29995784. Hirtz S et al. CFTR Cl- channel function in native human colon correlates with the genotype and phenotype in cystic fibrosis. Gastroenterology. 2004 Oct;127(4):1085-95. PMID: 15480987. Loo TW and Clarke DM. The cystic fibrosis V232D mutation inhibits CFTR maturation by disrupting a hydrophobic pocket rather than formation of aberrant interhelical hydrogen bonds. Biochem Pharmacol. 2014 Mar 1;88(1):46-57. PMID: 24412276. Masson E et al. A conservative assessment of the major genetic causes of idiopathic chronic pancreatitis: data from a comprehensive analysis of PRSS1, SPINK1, CTRC and CFTR genes in 253 young French patients. PLoS One. 2013 Aug 8;8(8):e73522. PMID: 23951356. Ooi CY and Durie PR. Cystic fibrosis transmembrane conductance regulator (CFTR) gene mutations in pancreatitis. J Cyst Fibros. 2012 Sep;11(5):355-62. PMID: 22658665.